The following is an entry in ClinVar:

NM_001081.4(CUBN):c.2182T>C (p.Phe728Leu)

Gene: CUBN (cubilin; minus strand). Cytogenetic location: 10p13.
Variant type: single nucleotide variant.
Coding change: c.2182T>C on transcript NM_001081.4 (MANE Select); coding-DNA position 2182, T replaced by C.
Protein change: p.Phe728Leu; replaces phenylalanine 728 with leucine.
Molecular consequence: missense variant.
Genome position (GRCh38, 1-based): chr10:17,084,390, A>G on the plus strand (T>C on the coding strand, the complement: CUBN is on the minus strand). VCF-style: chr10-17084390-A-G. GRCh37 (hg19) VCF-style: chr10-17126389-A-G.
Other names: short protein forms F728L.
Identifiers: ClinVar variation 299512 (VCV000299512.19), dbSNP rs147752521, ClinGen allele CA5425061.

ClinVar aggregate classification (germline): Benign/Likely benign. Review status: criteria provided, multiple submitters, no conflicts (2 of 4 stars). 5 submissions from 5 submitters: Benign (1); Likely benign (3). 1 of the submissions does not count toward it. Last evaluated 2026-01-18.

Conditions:
CUBN-related disorder. Also called: CUBN-related condition.
Imerslund-Grasbeck syndrome type 1 (IGS1). Also called: Megaloblastic anemia 1, Finnish type; MEGALOBLASTIC ANEMIA, 1; Imerslund-Gräsbeck syndrome 1. Identifiers: MedGen C4016819, MONDO:0100156, OMIM 261100.
Imerslund-Grasbeck syndrome. Also called: ENTEROCYTE COBALAMIN MALABSORPTION; ENTEROCYTE INTRINSIC FACTOR RECEPTOR, DEFECT OF; Imerslund-Gräsbeck syndrome; PERNICIOUS ANEMIA, JUVENILE, DUE TO SELECTIVE INTESTINAL MALABSORPTION OF VITAMIN B12, WITH PROTEINURIA; Megaloblastic anemia due to inborn errors of metabolism. Identifiers: Orphanet 35858, MedGen C4551825, MONDO:0009853.

Allele frequency attached by ClinVar (database versions not stated): 1000 Genomes Project 0.00479; 1000 Genomes Project 30x 0.00531; gnomAD exomes 0.00030 and 0.00070; ExAC 0.00091; gnomAD 0.00214 and 0.00217; TOPMed 0.00238; ESP Exome Variant Server 0.00261.
gnomAD v4.1: 778 of 1,614,088 alleles (0.048%); highest among the groups gnomAD compares: African/African-American, 0.65%; 6 homozygotes.

Submissions (5):

Labcorp Genetics (formerly Invitae), Labcorp
Classification: Benign for Imerslund-Grasbeck syndrome. Last evaluated: 2026-01-18. Review status: criteria provided, single submitter. Criteria: Invitae Variant Classification Sherloc (09022015). Collection method: clinical testing. Allele origin: germline.

Blueprint Genetics
Classification: Likely benign. Last evaluated: 2024-11-06. Review status: criteria provided, single submitter. Criteria: ACMG Guidelines, 2015. Collection method: clinical testing. Allele origin: germline.

ARUP Laboratories, Molecular Genetics and Genomics, ARUP Laboratories
Classification: Likely benign. Last evaluated: 2024-08-13. Review status: criteria provided, single submitter. Criteria: ARUP Molecular Germline Variant Investigation Process 2024. Collection method: clinical testing. Allele origin: germline.

Illumina Laboratory Services, Illumina
Classification: Likely benign for Imerslund-Grasbeck syndrome type 1. Last evaluated: 2018-01-13. Review status: criteria provided, single submitter. Criteria: ICSL Variant Classification Criteria 13 December 2019. Collection method: clinical testing. Allele origin: germline.
Comment: This variant was observed in the ICSL laboratory as part of a predisposition screen in an ostensibly healthy population. It had not been previously curated by ICSL or reported in the Human Gene Mutation Database (HGMD: prior to June 1st, 2018), and was therefore a candidate for classification through an automated scoring system. Utilizing variant allele frequency, disease prevalence and penetrance estimates, and inheritance mode, an automated score was calculated to assess if this variant is too frequent to cause the disease. Based on the score and internal cut-off values, a variant classified as likely benign is not then subjected to further curation. The score for this variant resulted in a classification of likely benign for this disease.

PreventionGenetics, part of Exact Sciences
Classification: Benign for CUBN-related condition. Last evaluated: 2022-10-05. Review status: no assertion criteria provided. Collection method: clinical testing. Allele origin: germline. Not counted in ClinVar's aggregate classification.
Comment: This variant is classified as benign based on ACMG/AMP sequence variant interpretation guidelines (Richards et al. 2015 PMID: 25741868, with internal and published modifications).